The following is an entry in ClinVar:

ClinVar aggregate classification (germline): Uncertain significance (1 of 4 stars; one submission).

Allele frequency attached by ClinVar (database versions not stated): gnomAD exomes 0.00001; ExAC 0.00002; 1000 Genomes Project 30x 0.00016; 1000 Genomes Project 0.00020.
gnomAD v4.1: 10 of 1,607,088 alleles (0.00062%); highest among the groups gnomAD compares: East Asian, 0.0022%; no homozygotes.

Submission:

Labcorp Genetics (formerly Invitae), Labcorp
Classification: Uncertain significance. Last evaluated: 2022-05-04. Review status: criteria provided, single submitter. Criteria: Invitae Variant Classification Sherloc (09022015). Collection method: clinical testing. Allele origin: germline.
Comment: This sequence change replaces valine, which is neutral and non-polar, with methionine, which is neutral and non-polar, at codon 327 of the KANK2 protein (p.Val327Met). Algorithms developed to predict the effect of missense changes on protein structure and function are either unavailable or do not agree on the potential impact of this missense change (SIFT: "Deleterious"; PolyPhen-2: "Possibly Damaging"; Align-GVGD: "Class C0"). This variant has not been reported in the literature in individuals affected with KANK2-related conditions. This variant is present in population databases (rs377628737, gnomAD 0.006%). In summary, the available evidence is currently insufficient to determine the role of this variant in disease. Therefore, it has been classified as a Variant of Uncertain Significance.

NM_001136191.3(KANK2):c.979G>A (p.Val327Met)

Gene: KANK2 (KN motif and ankyrin repeat domains 2; minus strand). Cytogenetic location: 19p13.2.
Variant type: single nucleotide variant.
Coding change: c.979G>A on transcript NM_001136191.3 (MANE Select); coding-DNA position 979, G replaced by A.
Protein change: p.Val327Met; replaces valine 327 with methionine.
Molecular consequence: missense variant.
Genome position (GRCh38, 1-based): chr19:11,193,101, C>T on the plus strand (G>A on the coding strand, the complement: KANK2 is on the minus strand). VCF-style: chr19-11193101-C-T. GRCh37 (hg19) VCF-style: chr19-11303777-C-T.
Other names: c.979G>A, p.Val327Met (NM_001329451.2, NM_001379548.1, NM_001379549.1 and 15 more transcripts); short protein forms V327M.
Identifiers: ClinVar variation 2133728 (VCV002133728.4), dbSNP rs377628737, ClinGen allele CA9205926.